The following is an entry in ClinVar:

NM_001244008.2(KIF1A):c.478C>T (p.Pro160Ser)

Gene: KIF1A (kinesin family member 1A; minus strand). Cytogenetic location: 2q37.3.
Variant type: single nucleotide variant.
Coding change: c.478C>T on transcript NM_001244008.2 (MANE Select); coding-DNA position 478, C replaced by T.
Protein change: p.Pro160Ser; replaces proline 160 with serine.
Molecular consequence: missense variant.
Genome position (GRCh38, 1-based): chr2:240,786,465, G>A on the plus strand (C>T on the coding strand, the complement: KIF1A is on the minus strand). VCF-style: chr2-240786465-G-A. GRCh37 (hg19) VCF-style: chr2-241725882-G-A.
Other names: c.478C>T, p.Pro160Ser (NM_001320705.2, NM_001330289.2, NM_001330290.2 and 20 more transcripts); short protein forms P160S.
Identifiers: ClinVar variation 834455 (VCV000834455.10), dbSNP rs2054759897, ClinGen allele CA351306684.
Genomic context (GRCh38, chr2:240,786,465, plus strand): 5'-CCTCCACGTAGGGCCCCAGCAGTGGGTGCTCCCTCACGCGAAGGTTGCCCTTGTTCTTGG[G>A]GTTCAGGAGGTCACGGACGCGCTCACAGTAAATCTCCATGTAGCTGACCTGCAGGGCAGA-3'
Protein context (NP_001230937.1, residues 150-170): YCERVRDLLN[Pro160Ser]KNKGNLRVRE

ClinVar aggregate classification (germline): Uncertain significance (1 of 4 stars; one submission).

Conditions:
Hereditary spastic paraplegia 30. Identifiers: Orphanet 101010, MedGen C5235139, MONDO:0012476.
Neuropathy, hereditary sensory, type 2C. Also called: Hereditary sensory and autonomic neuropathy type IIC; KIF1A-Related HSAN2 (HSAN2C). Identifiers: Orphanet 970, MedGen C3280168, MONDO:0013634, OMIM 614213.
Intellectual disability, autosomal dominant 9 (NESCAVS). Also called: NESCAV SYNDROME; KIF1A-Related Neurodevelopmental Disorder. Identifiers: Orphanet 662367, MedGen C5393830, MONDO:0013656, OMIM 614255.

Submission:

Labcorp Genetics (formerly Invitae), Labcorp
Classification: Uncertain significance for Hereditary spastic paraplegia 30; Neuropathy, hereditary sensory, type 2C; Intellectual disability, autosomal dominant 9. Last evaluated: 2019-05-15. Review status: criteria provided, single submitter. Criteria: Invitae Variant Classification Sherloc (09022015). Collection method: clinical testing. Allele origin: germline.
Comment: This variant has not been reported in the literature in individuals with KIF1A-related conditions. This variant is not present in population databases (ExAC no frequency). This sequence change replaces proline with serine at codon 160 of the KIF1A protein (p.Pro160Ser). The proline residue is highly conserved and there is a moderate physicochemical difference between proline and serine. Algorithms developed to predict the effect of missense changes on protein structure and function are either unavailable or do not agree on the potential impact of this missense change (SIFT: "Deleterious"; PolyPhen-2: "Probably Damaging"; Align-GVGD: "Class C0"). In summary, the available evidence is currently insufficient to determine the role of this variant in disease. Therefore, it has been classified as a Variant of Uncertain Significance.